The following is an entry in ClinVar:

ClinVar aggregate classification (germline): Uncertain significance (1 of 4 stars; one submission).

gnomAD v4.1: 35 of 1,612,536 alleles (0.0022%); highest among the groups gnomAD compares: Admixed American, 0.012%; no homozygotes.

Submission:

GeneDx
Classification: Uncertain significance. Last evaluated: 2026-04-03. Review status: criteria provided, single submitter. Criteria: GeneDx Variant Classification Process June 2021. Collection method: clinical testing. Allele origin: germline.
Comment: In silico analysis supports that this missense variant has a deleterious effect on protein structure/function; Has not been previously published as pathogenic or benign to our knowledge

NM_005560.6(LAMA5):c.4723C>T (p.Arg1575Cys)

Gene: LAMA5 (laminin subunit alpha 5; minus strand). Cytogenetic location: 20q13.33.
Variant type: single nucleotide variant.
Coding change: c.4723C>T on transcript NM_005560.6 (MANE Select); coding-DNA position 4723, C replaced by T.
Protein change: p.Arg1575Cys; replaces arginine 1575 with cysteine.
Molecular consequence: missense variant.
Genome position (GRCh38, 1-based): chr20:62,327,940, G>A on the plus strand (C>T on the coding strand, the complement: LAMA5 is on the minus strand). VCF-style: chr20-62327940-G-A. GRCh37 (hg19) VCF-style: chr20-60902996-G-A.
Other names: short protein forms R1575C.
Identifiers: ClinVar variation 5016767 (VCV005016767.1).